The following is an entry in ClinVar:

ClinVar aggregate classification (germline): Uncertain significance (1 of 4 stars; one submission).

Conditions:
Epidermolysis bullosa simplex 3, localized or generalized intermediate, with BP230 deficiency (EBS3). Also called: Epidermolysis bullosa simplex due to BP230 deficiency; Epidermolysis bullosa simplex, autosomal recessive 2. Identifiers: Orphanet 412181, MedGen C3809470, MONDO:0014180, OMIM 615425.
Hereditary sensory and autonomic neuropathy type 6. Also called: Neuropathy, hereditary sensory and autonomic, type VI; HSAN VI. Identifiers: Orphanet 314381, MedGen C3539003, MONDO:0013839, OMIM 614653.

Allele frequency attached by ClinVar (database versions not stated): gnomAD exomes below 0.00001.
gnomAD v4.1: 1 of 1,613,782 alleles (0.000062%); highest among the groups gnomAD compares: Non-Finnish European, 0.000085%; no homozygotes.

Submission:

Labcorp Genetics (formerly Invitae), Labcorp
Classification: Uncertain significance for Epidermolysis bullosa simplex 3, localized or generalized intermediate, with BP230 deficiency; Hereditary sensory and autonomic neuropathy type 6. Last evaluated: 2019-06-27. Review status: criteria provided, single submitter. Criteria: Invitae Variant Classification Sherloc (09022015). Collection method: clinical testing. Allele origin: germline.
Comment: This sequence change replaces aspartic acid with glycine at codon 4544 of the DST protein (p.Asp4544Gly). The aspartic acid residue is moderately conserved and there is a moderate physicochemical difference between aspartic acid and glycine. The DST gene has multiple clinically relevant transcripts. The p.Asp4544Gly variant occurs in alternate transcript NM_015548.4, which corresponds to c.*133436A>G in NM_001723.5, the primary transcript listed in the Methods. This variant is not present in population databases (ExAC no frequency). This variant has not been reported in the literature in individuals with DST-related conditions. Algorithms developed to predict the effect of missense changes on protein structure and function are either unavailable or do not agree on the potential impact of this missense change (SIFT: "Tolerated"; PolyPhen-2: "Not Available"; Align-GVGD: "Class C0"). In summary, the available evidence is currently insufficient to determine the role of this variant in disease. Therefore, it has been classified as a Variant of Uncertain Significance.

NM_001374736.1(DST):c.21500A>G (p.Asp7167Gly)

Gene: DST (dystonin; minus strand). Cytogenetic location: 6p12.1.
Variant type: single nucleotide variant.
Coding change: c.21500A>G on transcript NM_001374736.1 (MANE Select); coding-DNA position 21500, A replaced by G.
Protein change: p.Asp7167Gly; replaces aspartic acid 7167 with glycine.
Molecular consequence: missense variant.
Genome position (GRCh38, 1-based): chr6:56,482,081, T>C on the plus strand (A>G on the coding strand, the complement: DST is on the minus strand). VCF-style: chr6-56482081-T-C. GRCh37 (hg19) VCF-style: chr6-56346879-T-C.
Other names: c.15143A>G, p.Asp5048Gly (NM_001144769.5); c.14729A>G, p.Asp4910Gly (NM_001144770.2); c.21500A>G, p.Asp7167Gly (NM_001374722.1); c.20540A>G, p.Asp6847Gly (NM_001374729.1); c.14282A>G, p.Asp4761Gly (NM_001374730.1); c.21527A>G, p.Asp7176Gly (NM_001374734.1); c.13631A>G, p.Asp4544Gly (NM_015548.5); c.14609A>G, p.Asp4870Gly (NM_183380.4); short protein forms D4761G, D7176G, D4870G, D4910G, D7167G, D5048G, D4544G, D6847G.
Identifiers: ClinVar variation 972652 (VCV000972652.8), dbSNP rs1562272106, ClinGen allele CA364511781.
Genomic context (GRCh38, chr6:56,482,081, plus strand): 5'-GCTTTACATAGCATTTATATATTACTCACTTTATGCTGATCAATGAGAGTCCGGAGAGCA[T>C]CCTCATCATCTGGGAGGACACCATGGAAACGCAGGGTTTGCTCCGCCTCAGCCAGCCACT-3'
Protein context (NP_001361665.1, residues 7157-7177): RFHGVLPDDE[Asp7167Gly]ALRTLIDQHK